The following is an entry in ClinVar:

ClinVar aggregate classification (germline): Uncertain significance. Review status: criteria provided, multiple submitters, no conflicts (2 of 4 stars). 2 submissions from 2 submitters: Uncertain significance (2). Last evaluated 2021-06-23.

Submissions (2):

Labcorp Genetics (formerly Invitae), Labcorp
Classification: Uncertain significance. Last evaluated: 2021-06-23. Review status: criteria provided, single submitter. Criteria: Invitae Variant Classification Sherloc (09022015). Collection method: clinical testing. Allele origin: germline.
Comment: This variant has not been reported in the literature in individuals with RP2-related conditions. ClinVar contains an entry for this variant (Variation ID: 865821). This variant is not present in population databases (ExAC no frequency). This sequence change replaces glycine with arginine at codon 55 of the RP2 protein (p.Gly55Arg). The glycine residue is highly conserved and there is a moderate physicochemical difference between glycine and arginine. Algorithms developed to predict the effect of missense changes on protein structure and function are either unavailable or do not agree on the potential impact of this missense change (SIFT: "Tolerated"; PolyPhen-2: "Probably Damaging"; Align-GVGD: "Class C0"). In summary, the available evidence is currently insufficient to determine the role of this variant in disease. Therefore, it has been classified as a Variant of Uncertain Significance. Algorithms developed to predict the effect of sequence changes on RNA splicing suggest that this variant may create or strengthen a splice site, but this prediction has not been confirmed by published transcriptional studies.

Blueprint Genetics
Classification: Uncertain significance. Last evaluated: 2018-12-11. Review status: criteria provided, single submitter. Criteria: ACMG Guidelines, 2015. Collection method: clinical testing. Allele origin: germline.

NM_006915.3(RP2):c.163G>A (p.Gly55Arg)

Gene: RP2 (RP2 activator of ARL3 GTPase; plus strand). Cytogenetic location: Xp11.3.
Variant type: single nucleotide variant.
Coding change: c.163G>A on transcript NM_006915.3 (MANE Select); coding-DNA position 163, G replaced by A.
Protein change: p.Gly55Arg; replaces glycine 55 with arginine.
Molecular consequence: missense variant.
Genome position (GRCh38, 1-based): chrX:46,853,536, G>A. VCF-style: chrX-46853536-G-A. GRCh37 (hg19) VCF-style: chrX-46712971-G-A.
Other names: short protein forms G55R.
Identifiers: ClinVar variation 865821 (VCV000865821.10), dbSNP rs1924896657, ClinGen allele CA413038915.